The following is an entry in ClinVar:

ClinVar aggregate classification (germline): Uncertain significance. Review status: criteria provided, multiple submitters, no conflicts (2 of 4 stars). 2 submissions from 2 submitters: Uncertain significance (2). Last evaluated 2022-06-14.

gnomAD v4.1: 1 of 1,614,174 alleles (0.000062%); highest among the groups gnomAD compares: Non-Finnish European, 0.000085%; no homozygotes.

Submissions (2):

Labcorp Genetics (formerly Invitae), Labcorp
Classification: Uncertain significance. Last evaluated: 2022-06-14. Review status: criteria provided, single submitter. Criteria: Invitae Variant Classification Sherloc (09022015). Collection method: clinical testing. Allele origin: germline.
Comment: This variant has not been reported in the literature in individuals affected with ZNF408-related conditions. This sequence change replaces leucine, which is neutral and non-polar, with phenylalanine, which is neutral and non-polar, at codon 256 of the ZNF408 protein (p.Leu256Phe). This variant is not present in population databases (gnomAD no frequency). Algorithms developed to predict the effect of missense changes on protein structure and function (SIFT, PolyPhen-2, Align-GVGD) all suggest that this variant is likely to be tolerated. In summary, the available evidence is currently insufficient to determine the role of this variant in disease. Therefore, it has been classified as a Variant of Uncertain Significance.

Blueprint Genetics
Classification: Uncertain significance. Last evaluated: 2018-11-08. Review status: criteria provided, single submitter. Criteria: ACMG Guidelines, 2015. Collection method: clinical testing. Allele origin: germline.

NM_024741.3(ZNF408):c.766C>T (p.Leu256Phe)

Gene: ZNF408 (zinc finger protein 408; plus strand). Cytogenetic location: 11p11.2.
Variant type: single nucleotide variant.
Coding change: c.766C>T on transcript NM_024741.3 (MANE Select); coding-DNA position 766, C replaced by T.
Protein change: p.Leu256Phe; replaces leucine 256 with phenylalanine.
Molecular consequence: missense variant.
Genome position (GRCh38, 1-based): chr11:46,704,466, C>T. VCF-style: chr11-46704466-C-T. GRCh37 (hg19) VCF-style: chr11-46726016-C-T.
Other names: c.742C>T, p.Leu248Phe (NM_001184751.2); short protein forms L248F, L256F.
Identifiers: ClinVar variation 2006212 (VCV002006212.5), dbSNP rs2502792897, ClinGen allele CA380254125.